The following is an entry in ClinVar:

ClinVar aggregate classification (germline): Uncertain significance (1 of 4 stars; one submission).

Conditions:
Mowat-Wilson syndrome (MOWS). Also called: Classic Mowat-Wilson Syndrome. Identifiers: Orphanet 2152, MedGen C1856113, MONDO:0009341, OMIM 235730.

Submission:

Labcorp Genetics (formerly Invitae), Labcorp
Classification: Uncertain significance for Mowat-Wilson syndrome. Last evaluated: 2021-12-15. Review status: criteria provided, single submitter. Criteria: Invitae Variant Classification Sherloc (09022015). Collection method: clinical testing. Allele origin: germline.
Comment: This variant has not been reported in the literature in individuals affected with ZEB2-related conditions. In summary, the available evidence is currently insufficient to determine the role of this variant in disease. Therefore, it has been classified as a Variant of Uncertain Significance. Variants that disrupt the consensus splice site are a relatively common cause of aberrant splicing (PMID: 17576681, 9536098). This variant results in the deletion of part of exon 10 (c.3068-1327_3094del) of the ZEB2 gene. While this variant is not anticipated to result in nonsense mediated decay, it likely alters RNA splicing and results in a disrupted protein product.

Literature cited by the submitters: PubMed 17576681; PubMed 9536098.

NC_000002.11:g.(?_145147569)_(145148922_?)del

Gene: ZEB2 (zinc finger E-box binding homeobox 2; minus strand). Cytogenetic location: 2q22.3.
Variant type: Deletion.
Identifiers: ClinVar variation 2425976 (VCV002425976.4).